The following is an entry in ClinVar:

NM_000153.4(GALC):c.203C>T (p.Ser68Phe)

Gene: GALC (galactosylceramidase; minus strand). Cytogenetic location: 14q31.3.
Variant type: single nucleotide variant.
Coding change: c.203C>T on transcript NM_000153.4 (MANE Select); coding-DNA position 203, C replaced by T.
Protein change: p.Ser68Phe; replaces serine 68 with phenylalanine.
Molecular consequence: missense variant. On other transcripts: intron variant (1).
Genome position (GRCh38, 1-based): chr14:87,988,516, G>A on the plus strand (C>T on the coding strand, the complement: GALC is on the minus strand). VCF-style: chr14-87988516-G-A. GRCh37 (hg19) VCF-style: chr14-88454860-G-A.
Other names: c.125C>T, p.Ser42Phe (NM_001201402.2); c.196-309C>T (NM_001201401.2); short protein forms S68F, S42F.
Identifiers: ClinVar variation 552834 (VCV000552834.9), dbSNP rs1555383892, ClinGen allele CA390753441.
Genomic context (GRCh38, chr14:87,988,516, plus strand): 5'-TTAAAGAGATAATCCAATATCTGAGAACGATAGGGCTCTGGGTAATTTACTAGAAGTCGG[G>A]AGGTTGCCTAAAAAAAAAAGTTTTCAAAAGTATGAATAAAAGAAATCCAGTCATGAATAT-3'
Protein context (NP_000144.2, residues 58-78): IGAVSGGGAT[Ser68Phe]RLLVNYPEPY

ClinVar aggregate classification (germline): Likely pathogenic. Review status: criteria provided, multiple submitters, no conflicts (2 of 4 stars). 4 submissions from 4 submitters: Likely pathogenic (3). 1 of the submissions does not count toward it. Last evaluated 2024-09-10.

Conditions:
Galactosylceramide beta-galactosidase deficiency. Also called: GALACTOCEREBROSIDASE DEFICIENCY; GALC DEFICIENCY; GLOBOID CELL LEUKOENCEPHALOPATHY; Leukodystrophy, Globoid Cell; Krabbe Disease. Identifiers: Orphanet 487, MedGen C0023521, MONDO:0009499, OMIM 245200.

Allele frequency attached by ClinVar (database versions not stated): gnomAD exomes below 0.00001.
gnomAD v4.1: 1 of 1,610,560 alleles (0.000062%); highest among the groups gnomAD compares: Non-Finnish European, 0.000085%; no homozygotes.

Submissions (4):

Labcorp Genetics (formerly Invitae), Labcorp
Classification: Likely pathogenic for Galactosylceramide beta-galactosidase deficiency. Last evaluated: 2024-09-10. Review status: criteria provided, single submitter. Criteria: Invitae Variant Classification Sherloc (09022015). Collection method: clinical testing. Allele origin: germline.
Comment: This sequence change replaces serine, which is neutral and polar, with phenylalanine, which is neutral and non-polar, at codon 68 of the GALC protein (p.Ser68Phe). This variant is not present in population databases (gnomAD no frequency). This missense change has been observed in individual(s) with Krabbe disease (PMID: 10234611, 24252386). This variant is also known as p.S52F. ClinVar contains an entry for this variant (Variation ID: 552834). Invitae Evidence Modeling of protein sequence and biophysical properties (such as structural, functional, and spatial information, amino acid conservation, physicochemical variation, residue mobility, and thermodynamic stability) indicates that this missense variant is expected to disrupt GALC protein function with a positive predictive value of 95%. Experimental studies have shown that this missense change affects GALC function (PMID: 10234611). In summary, the currently available evidence indicates that the variant is pathogenic, but additional data are needed to prove that conclusively. Therefore, this variant has been classified as Likely Pathogenic.

Fulgent Genetics
Classification: Likely pathogenic for Galactosylceramide beta-galactosidase deficiency. Last evaluated: 2024-05-07. Review status: criteria provided, single submitter. Criteria: ACMG Guidelines, 2015. Collection method: clinical testing. Allele origin: germline.

Laboratory for Molecular Medicine, Mass General Brigham Personalized Medicine
Classification: Likely pathogenic for Galactosylceramide beta-galactosidase deficiency. Last evaluated: 2022-11-03. Review status: criteria provided, single submitter. Criteria: ACMG Guidelines, 2015. Collection method: clinical testing. Allele origin: germline.
Comment: The p.Ser68Phe variant in GALC has been reported in the compound heterozygote state in at least 3 individuals with Krabbe disease (Fu 1999 PMID: 10234611, Madsen 2019 PMID: 31240153, Pushkov 2020 doi: 10.17816/2686-8997-2020-1-01-21-28). It has been reported in ClinVar (Variation ID 552834) and was absent from large population studies. Computational prediction tools and conservation analyses suggest that this variant may impact the protein, though this information is not predictive enough to determine pathogenicity. In summary, although additional studies are required to fully establish its clinical significance, this variant meets criteria to be classified as likely pathogenic for autosomal recessive Krabbe disease. ACMG/AMP Criteria applied: PM2_supporting, PM3_strong, PP3.

Counsyl
Classification: Uncertain significance for Galactosylceramide beta-galactosidase deficiency. Last evaluated: 2017-07-11. Review status: no assertion criteria provided. Collection method: clinical testing. Allele origin: unknown. Not counted in ClinVar's aggregate classification.

Literature cited by the submitters: PubMed 10234611 (cited by Labcorp Genetics (formerly Invitae), Labcorp and Counsyl); PubMed 24252386 (cited by Labcorp Genetics (formerly Invitae), Labcorp).